The following is an entry in ClinVar:

ClinVar aggregate classification (germline): Uncertain significance (1 of 4 stars; one submission).

Conditions:
Candidiasis, familial, 9 (CANDF9). Identifiers: Orphanet 1334, MedGen C4225324, MONDO:0014642, OMIM 616445.

Submission:

Labcorp Genetics (formerly Invitae), Labcorp
Classification: Uncertain significance for Candidiasis, familial, 9. Last evaluated: 2023-08-07. Review status: criteria provided, single submitter. Criteria: Invitae Variant Classification Sherloc (09022015). Collection method: clinical testing. Allele origin: germline.
Comment: An algorithm developed to predict the effect of missense changes on protein structure and function (PolyPhen-2) suggests that this variant is likely to be disruptive. This variant has not been reported in the literature in individuals affected with IL17RC-related conditions. This variant is not present in population databases (gnomAD no frequency). This sequence change replaces leucine, which is neutral and non-polar, with proline, which is neutral and non-polar, at codon 510 of the IL17RC protein (p.Leu510Pro). In summary, the available evidence is currently insufficient to determine the role of this variant in disease. Therefore, it has been classified as a Variant of Uncertain Significance.

NM_153460.4(IL17RC):c.1316T>C (p.Leu439Pro)

Gene: IL17RC (interleukin 17 receptor C; plus strand). Cytogenetic location: 3p25.3.
Variant type: single nucleotide variant.
Coding change: c.1316T>C on transcript NM_153460.4 (MANE Select); coding-DNA position 1316, T replaced by C.
Protein change: p.Leu439Pro; replaces leucine 439 with proline.
Molecular consequence: missense variant. On other transcripts: non-coding transcript variant (1).
Genome position (GRCh38, 1-based): chr3:9,930,437, T>C. VCF-style: chr3-9930437-T-C. GRCh37 (hg19) VCF-style: chr3-9972121-T-C.
Other names: c.1271T>C, p.Leu424Pro (NM_032732.6, NM_001367280.1); c.1529T>C, p.Leu510Pro (NM_153461.4); c.1316T>C, p.Leu439Pro (NM_001203263.2); c.1265T>C, p.Leu422Pro (NM_001203264.2); c.1220T>C, p.Leu407Pro (NM_001203265.2, NM_001410711.1); c.1277T>C, p.Leu426Pro (NM_001367278.1); c.1196T>C, p.Leu399Pro (NM_001367279.1); short protein forms L426P, L439P, L422P, L424P, L407P, L510P, L399P.
Identifiers: ClinVar variation 2870171 (VCV002870171.3), dbSNP rs1463939100, ClinGen allele CA351700513.